The following is an entry in ClinVar:

NM_024675.4(PALB2):c.3348C>T (p.Gly1116=)

Gene: PALB2 (partner and localizer of BRCA2; minus strand). Cytogenetic location: 16p12.2.
Variant type: single nucleotide variant.
Coding change: c.3348C>T on transcript NM_024675.4 (MANE Select); coding-DNA position 3348, C replaced by T.
Protein change: p.Gly1116=; no amino-acid change (glycine 1116 retained).
Molecular consequence: synonymous variant.
Genome position (GRCh38, 1-based): chr16:23,607,866, G>A on the plus strand (C>T on the coding strand, the complement: PALB2 is on the minus strand). VCF-style: chr16-23607866-G-A. GRCh37 (hg19) VCF-style: chr16-23619187-G-A.
Other names: c.3348C>T (NM_024675.3).
Identifiers: ClinVar variation 1050999 (VCV001050999.13), dbSNP rs746346966, ClinGen allele CA7963382.

ClinVar aggregate classification (germline): Uncertain significance. Review status: criteria provided, multiple submitters, no conflicts (2 of 4 stars). 3 submissions from 3 submitters: Uncertain significance (3). Last evaluated 2025-01-14.

Conditions:
Hereditary cancer-predisposing syndrome. Also called: Tumor predisposition; Hereditary neoplastic syndrome; Hereditary Cancer Syndrome; Neoplastic Syndromes, Hereditary. Identifiers: Orphanet 140162, MedGen C0027672, MeSH D009386, MONDO:0015356.
Familial cancer of breast. Also called: BREAST CANCER, FAMILIAL; Hereditary breast cancer; hereditary breast carcinoma. Identifiers: Orphanet 227535, MedGen C0346153, MONDO:0016419, OMIM 114480. Disease mechanism: loss of function.

Allele frequency attached by ClinVar (database versions not stated): gnomAD exomes below 0.00001; ExAC 0.00001.
gnomAD v4.1: 1 of 1,613,818 alleles (0.000062%); highest among the groups gnomAD compares: Non-Finnish European, 0.000085%; no homozygotes.

Submissions (3):

Ambry Genetics
Classification: Uncertain significance for Hereditary cancer-predisposing syndrome. Last evaluated: 2025-01-14. Review status: criteria provided, single submitter. Criteria: Ambry Variant Classification Scheme 2023. Collection method: clinical testing. Allele origin: germline.
Comment: The c.3348C>T variant (also known as p.G1116G), located in coding exon 12 of the PALB2 gene, results from a C to T substitution at nucleotide position 3348. This nucleotide substitution does not change the glycine at codon 1116. This nucleotide position is poorly conserved in available vertebrate species. In silico splice site analysis for this alteration is inconclusive and direct evidence is insufficient at this time (Ambry internal data). Since supporting evidence is limited at this time, the clinical significance of this alteration remains unclear.

Color Diagnostics, LLC DBA Color Health
Classification: Uncertain significance for Hereditary cancer-predisposing syndrome. Last evaluated: 2025-01-14. Review status: criteria provided, single submitter. Criteria: ACMG Guidelines, 2015. Collection method: clinical testing. Allele origin: germline.
Comment: This synonymous variant causes a C>T nucleotide change in exon 11 of the PALB2 gene. Splice site prediction tools suggest that this variant may impact RNA splicing at the intron 11 splice donor site (PMID: 30661751, 35449021). A minigene splicing assay reported that this variant caused a leaky out-of-frame splicing defect (PMID: 34846068). To our knowledge, this variant has not been reported in individuals affected with PALB2-related disorders in the literature. This variant has been identified in 1/251412 chromosomes in the general population by the Genome Aggregation Database (gnomAD). The available evidence is insufficient to determine the role of this variant in disease conclusively. Therefore, this variant is classified as a Variant of Uncertain Significance.

Labcorp Genetics (formerly Invitae), Labcorp
Classification: Uncertain significance for Familial cancer of breast. Last evaluated: 2020-03-04. Review status: criteria provided, single submitter. Criteria: Invitae Variant Classification Sherloc (09022015). Collection method: clinical testing. Allele origin: germline.
Comment: This sequence change affects codon 1116 of the PALB2 mRNA. It is a 'silent' change, meaning that it does not change the encoded amino acid sequence of the PALB2 protein. This variant is present in population databases (rs746346966, ExAC 0.001%). This variant has not been reported in the literature in individuals with PALB2-related conditions. Algorithms developed to predict the effect of sequence changes on RNA splicing suggest that this variant may create or strengthen a splice site, but this prediction has not been confirmed by published transcriptional studies. In summary, the available evidence is currently insufficient to determine the role of this variant in disease. Therefore, it has been classified as a Variant of Uncertain Significance.

Literature cited by the submitters: PubMed 30661751 (cited by Color Diagnostics, LLC DBA Color Health); PubMed 34846068 (cited by Color Diagnostics, LLC DBA Color Health); PubMed 35449021 (cited by Color Diagnostics, LLC DBA Color Health).